The following is an entry in ClinVar:

ClinVar aggregate classification (germline): Uncertain significance. Review status: criteria provided, multiple submitters, no conflicts (2 of 4 stars). 2 submissions from 2 submitters: Uncertain significance (2). Last evaluated 2026-02-01.

Conditions:
Hereditary cancer-predisposing syndrome. Also called: Hereditary neoplastic syndrome; Tumor predisposition; Hereditary Cancer Syndrome; Neoplastic Syndromes, Hereditary. Identifiers: Orphanet 140162, MedGen C0027672, MeSH D009386, MONDO:0015356.
Gastrointestinal stromal tumor. Also called: Gastrointestinal stroma tumor; Gastrointestinal stromal tumor, somatic. Identifiers: Orphanet 44890, MedGen C0238198, MeSH D046152, MONDO:0011719, OMIM 606764, HP:0100723.

Allele frequency attached by ClinVar (database versions not stated): gnomAD exomes below 0.00001.
gnomAD v4.1: 2 of 1,614,038 alleles (0.00012%); highest among the groups gnomAD compares: Non-Finnish European, 0.00017%; no homozygotes.

Submissions (2):

Labcorp Genetics (formerly Invitae), Labcorp
Classification: Uncertain significance for Gastrointestinal stromal tumor. Last evaluated: 2026-02-01. Review status: criteria provided, single submitter. Criteria: Invitae Variant Classification Sherloc (09022015). Collection method: clinical testing. Allele origin: germline.
Comment: This sequence change replaces threonine, which is neutral and polar, with isoleucine, which is neutral and non-polar, at codon 520 of the KIT protein (p.Thr520Ile). This variant is not present in population databases (gnomAD no frequency). This variant has not been reported in the literature in individuals affected with KIT-related conditions. ClinVar contains an entry for this variant (Variation ID: 1442066). An algorithm developed to predict the effect of missense changes on protein structure and function (PolyPhen-2) suggests that this variant is likely to be disruptive. In summary, the available evidence is currently insufficient to determine the role of this variant in disease. Therefore, it has been classified as a Variant of Uncertain Significance.

Ambry Genetics
Classification: Uncertain significance for Hereditary cancer-predisposing syndrome. Last evaluated: 2024-12-24. Review status: criteria provided, single submitter. Criteria: Ambry Variant Classification Scheme 2023. Collection method: clinical testing. Allele origin: germline.
Comment: The p.T520I variant (also known as c.1559C>T), located in coding exon 10 of the KIT gene, results from a C to T substitution at nucleotide position 1559. The threonine at codon 520 is replaced by isoleucine, an amino acid with similar properties. This amino acid position is not well conserved in available vertebrate species. In addition, the in silico prediction for this alteration is inconclusive. Based on the available evidence, the clinical significance of this variant remains unclear.

NM_000222.3(KIT):c.1559C>T (p.Thr520Ile)

Gene: KIT (KIT proto-oncogene, receptor tyrosine kinase; plus strand). Cytogenetic location: 4q12.
Variant type: single nucleotide variant.
Coding change: c.1559C>T on transcript NM_000222.3 (MANE Select); coding-DNA position 1559, C replaced by T.
Protein change: p.Thr520Ile; replaces threonine 520 with isoleucine.
Molecular consequence: missense variant.
Genome position (GRCh38, 1-based): chr4:54,727,236, C>T. VCF-style: chr4-54727236-C-T. GRCh37 (hg19) VCF-style: chr4-55593402-C-T.
Other names: c.1547C>T, p.Thr516Ile (NM_001093772.2, NM_001385286.1); c.1562C>T, p.Thr521Ile (NM_001385284.1, NM_001385290.1); c.1559C>T, p.Thr520Ile (NM_001385285.1); c.1550C>T, p.Thr517Ile (NM_001385288.1, NM_001385292.1); short protein forms T516I, T517I, T520I, T521I.
Identifiers: ClinVar variation 1442066 (VCV001442066.11), dbSNP rs2109773801, ClinGen allele CA356906919.